The following is an entry in ClinVar:

ClinVar aggregate classification (germline): Uncertain significance. Review status: criteria provided, multiple submitters, no conflicts (2 of 4 stars). 2 submissions from 2 submitters: Uncertain significance (2). Last evaluated 2024-07-26.

Conditions:
Pyruvate dehydrogenase E2 deficiency (PDHDD). Also called: LACTIC ACIDEMIA DUE TO DEFECT OF E2 LIPOYL TRANSACETYLASE OF THE PYRUVATE DEHYDROGENASE COMPLEX; Dihydrolipoamide Acetyltransferase (E2) Deficiency. Identifiers: Orphanet 765, Orphanet 79244, MedGen C1855565, MONDO:0009502, OMIM 245348.
Inborn genetic diseases. Identifiers: MedGen C0950123, MeSH D030342.

Allele frequency attached by ClinVar (database versions not stated): gnomAD exomes below 0.00001 and 0.00002; gnomAD 0.00001 and 0.00002; TOPMed 0.00001; ExAC 0.00002; ESP Exome Variant Server 0.00008; 1000 Genomes Project 30x 0.00016; 1000 Genomes Project 0.00020.
gnomAD v4.1: 9 of 1,614,130 alleles (0.00056%); highest among the groups gnomAD compares: African/African-American, 0.0053%; no homozygotes.

Submissions (2):

Ambry Genetics
Classification: Uncertain significance for Inborn genetic diseases. Last evaluated: 2024-07-26. Review status: criteria provided, single submitter. Criteria: Ambry Variant Classification Scheme 2023. Collection method: clinical testing. Allele origin: germline.

Labcorp Genetics (formerly Invitae), Labcorp
Classification: Uncertain significance for Pyruvate dehydrogenase E2 deficiency. Last evaluated: 2021-11-01. Review status: criteria provided, single submitter. Criteria: Invitae Variant Classification Sherloc (09022015). Collection method: clinical testing. Allele origin: germline.
Comment: In summary, the available evidence is currently insufficient to determine the role of this variant in disease. Therefore, it has been classified as a Variant of Uncertain Significance. Advanced modeling of protein sequence and biophysical properties (such as structural, functional, and spatial information, amino acid conservation, physicochemical variation, residue mobility, and thermodynamic stability) performed at Invitae indicates that this missense variant is expected to disrupt DLAT protein function. This variant has not been reported in the literature in individuals affected with DLAT-related conditions. This variant is present in population databases (rs147456178, gnomAD 0.01%). This sequence change replaces arginine, which is basic and polar, with glycine, which is neutral and non-polar, at codon 549 of the DLAT protein (p.Arg549Gly).

NM_001931.5(DLAT):c.1645A>G (p.Arg549Gly)

Genes: PIH1D2 (PIH1 domain containing 2; minus strand), DLAT (dihydrolipoamide S-acetyltransferase; plus strand). Cytogenetic location: 11q23.1.
Variant type: single nucleotide variant.
Coding change: c.1645A>G on transcript NM_001931.5 (MANE Select); coding-DNA position 1645, A replaced by G.
Protein change: p.Arg549Gly; replaces arginine 549 with glycine.
Molecular consequence: missense variant. On other transcripts: non-coding transcript variant (1).
Genome position (GRCh38, 1-based): chr11:112,060,033, A>G. VCF-style: chr11-112060033-A-G. GRCh37 (hg19) VCF-style: chr11-111930757-A-G.
Other names: c.1663A>G, p.Arg555Gly (NM_001372031.1); c.1639A>G, p.Arg547Gly (NM_001372032.1); c.1624A>G, p.Arg542Gly (NM_001372033.1); c.1612A>G, p.Arg538Gly (NM_001372034.1); c.1537A>G, p.Arg513Gly (NM_001372035.1); c.1519A>G, p.Arg507Gly (NM_001372036.1); c.1477A>G, p.Arg493Gly (NM_001372037.1); c.1366A>G, p.Arg456Gly (NM_001372038.1); and 5 more; short protein forms R408G, R444G, R547G, R395G, R456G, R493G, R549G, R422G.
Identifiers: ClinVar variation 1386215 (VCV001386215.7), dbSNP rs147456178, ClinGen allele CA6276976.